The following is an entry in ClinVar:

ClinVar aggregate classification (germline): Uncertain significance (1 of 4 stars; one submission).

Submission:

GeneDx
Classification: Uncertain significance. Last evaluated: 2025-05-02. Review status: criteria provided, single submitter. Criteria: GeneDx Variant Classification Process June 2021. Collection method: clinical testing. Allele origin: germline.
Comment: Not observed at significant frequency in large population cohorts (gnomAD); In silico analysis suggests that this missense variant does not alter protein structure/function; Has not been previously published as pathogenic or benign to our knowledge

NM_032545.4(CFC1):c.509C>G (p.Pro170Arg)

Gene: CFC1 (cryptic, EGF-CFC family member 1; minus strand). Cytogenetic location: 2q21.1.
Variant type: single nucleotide variant.
Coding change: c.509C>G on transcript NM_032545.4 (MANE Select); coding-DNA position 509, C replaced by G.
Protein change: p.Pro170Arg; replaces proline 170 with arginine.
Molecular consequence: missense variant.
Genome position (GRCh38, 1-based): chr2:130,593,040, G>C on the plus strand (C>G on the coding strand, the complement: CFC1 is on the minus strand). VCF-style: chr2-130593040-G-C. GRCh37 (hg19) VCF-style: chr2-131350613-G-C.
Other names: c.394C>G, p.Arg132Gly (NM_001270420.2); c.284C>G, p.Pro95Arg (NM_001270421.2); short protein forms P170R, P95R, R132G.
Identifiers: ClinVar variation 3362175 (VCV003362175.2).